The following is an entry in ClinVar:

ClinVar aggregate classification (germline): Uncertain significance (1 of 4 stars; one submission).

gnomAD v4.1: 12 of 1,614,074 alleles (0.00074%); highest among the groups gnomAD compares: Non-Finnish European, 0.001%; no homozygotes.

Submission:

Ambry Genetics
Classification: Uncertain significance. Last evaluated: 2026-03-03. Review status: criteria provided, single submitter. Criteria: Ambry Variant Classification Scheme 2023. Collection method: clinical testing. Allele origin: germline.
Comment: The c.859C>G (p.L287V) alteration is located in exon 6 (coding exon 6) of the TRIM69 gene. This alteration results from a C to G substitution at nucleotide position 859, causing the leucine (L) at amino acid position 287 to be replaced by a valine (V). Based on data from gnomAD, the G allele has an overall frequency of <0.001% (1/251362) total alleles studied. The highest observed frequency was 0.001% (1/113662) of European (non-Finnish) alleles. Based on insufficient or conflicting evidence, the clinical significance of this alteration remains unclear.

NM_182985.5(TRIM69):c.859C>G (p.Leu287Val)

Gene: TRIM69 (tripartite motif containing 69; plus strand). Cytogenetic location: 15q21.1.
Variant type: single nucleotide variant.
Coding change: c.859C>G on transcript NM_182985.5 (MANE Select); coding-DNA position 859, C replaced by G.
Protein change: p.Leu287Val; replaces leucine 287 with valine.
Molecular consequence: missense variant.
Genome position (GRCh38, 1-based): chr15:44,759,770, C>G. VCF-style: chr15-44759770-C-G. GRCh37 (hg19) VCF-style: chr15-45051968-C-G.
Other names: c.247C>G, p.Leu83Val (NM_001301144.2); c.196C>G, p.Leu66Val (NM_001301145.2); c.148C>G, p.Leu50Val (NM_001301146.2); c.382C>G, p.Leu128Val (NM_080745.5); short protein forms L50V, L128V, L66V, L83V, L287V.
Identifiers: ClinVar variation 4833016 (VCV004833016.1).